The following is an entry in ClinVar:

ClinVar aggregate classification (germline): Uncertain significance (1 of 4 stars; one submission).

Conditions:
Microphthalmia, syndromic 12 (MCOPS12). Also called: MICROPHTHALMIA WITH OR WITHOUT PULMONARY HYPOPLASIA, DIAPHRAGMATIC HERNIA, AND/OR CARDIAC DEFECTS. Identifiers: Orphanet 2470, Orphanet 689829, MedGen C3809803, MONDO:0014229, OMIM 615524.

Submission:

Labcorp Genetics (formerly Invitae), Labcorp
Classification: Uncertain significance for Microphthalmia, syndromic 12. Last evaluated: 2023-10-19. Review status: criteria provided, single submitter. Criteria: Invitae Variant Classification Sherloc (09022015). Collection method: clinical testing. Allele origin: germline.
Comment: This sequence change affects an acceptor splice site in intron 1 of the RARB gene. It is expected to disrupt RNA splicing. Variants that disrupt the donor or acceptor splice site typically lead to a loss of protein function (PMID: 16199547), however the current clinical and genetic evidence is not sufficient to establish whether loss-of-function variants in RARB cause disease. This variant is not present in population databases (gnomAD no frequency). This variant has not been reported in the literature in individuals affected with RARB-related conditions. Algorithms developed to predict the effect of sequence changes on RNA splicing suggest that this variant may disrupt the consensus splice site. In summary, the available evidence is currently insufficient to determine the role of this variant in disease. Therefore, it has been classified as a Variant of Uncertain Significance.

Literature cited by the submitters: PubMed 16199547.

NM_000965.5(RARB):c.158-1G>A

Gene: RARB (retinoic acid receptor beta; plus strand). Cytogenetic location: 3p24.2.
Variant type: single nucleotide variant.
Coding change: c.158-1G>A on transcript NM_000965.5 (MANE Select); the canonical splice acceptor site of the intron before coding-DNA position 158, G replaced by A.
Molecular consequence: splice acceptor variant.
Genome position (GRCh38, 1-based): chr3:25,461,192, G>A. VCF-style: chr3-25461192-G-A. GRCh37 (hg19) VCF-style: chr3-25502683-G-A.
Other names: c.179-1G>A (NM_001290216.3); c.29-1G>A (NM_001290300.2); c.-179-1G>A (NM_001290276.2, NM_016152.4, NM_001290217.2); c.158-1G>A (NM_001290277.1); c.11-1G>A (NM_001290266.2).
Identifiers: ClinVar variation 2770133 (VCV002770133.3), dbSNP rs2529292219, ClinGen allele CA351956408.
Genomic context (GRCh38, chr3:25,461,192, plus strand): 5'-AAAAGTAATGAACTAAAATACATTTTCTCTTTTTTCTCCCTCTACCCCATCTCTATTATA[G>A]CAATTGAAACACAGAGCACCAGCTCTGAGGAACTCGTCCCAAGCCCCCCATCTCCACTTC-3'